The following is an entry in ClinVar:

ClinVar aggregate classification (germline): Uncertain significance. Review status: criteria provided, multiple submitters, no conflicts (2 of 4 stars). 3 submissions from 3 submitters: Uncertain significance (3). Last evaluated 2026-01-27.

Conditions:
COL18A1-related disorder. Also called: COL18A1-related condition; COL18A1-related disorders.

gnomAD v4.1: 114 of 1,532,886 alleles (0.0074%); highest among the groups gnomAD compares: Middle Eastern, 0.23%; 1 homozygote.

Submissions (3):

Labcorp Genetics (formerly Invitae), Labcorp
Classification: Uncertain significance. Last evaluated: 2026-01-27. Review status: criteria provided, single submitter. Criteria: Invitae Variant Classification Sherloc (09022015). Collection method: clinical testing. Allele origin: germline.
Comment: This sequence change replaces alanine, which is neutral and non-polar, with threonine, which is neutral and polar, at codon 1110 of the COL18A1 protein (p.Ala1110Thr). This variant is present in population databases (rs746120970, gnomAD 0.03%). This variant has not been reported in the literature in individuals affected with COL18A1-related conditions. ClinVar contains an entry for this variant (Variation ID: 1509006). Experimental studies and prediction algorithms are not available or were not evaluated, and the functional significance of this variant is currently unknown. In summary, the available evidence is currently insufficient to determine the role of this variant in disease. Therefore, it has been classified as a Variant of Uncertain Significance.

PreventionGenetics, part of Exact Sciences
Classification: Uncertain significance for COL18A1-related condition. Last evaluated: 2025-11-06. Review status: criteria provided, single submitter. Criteria: ACMG Guidelines, 2015. Collection method: clinical testing. Allele origin: germline.
Comment: The COL18A1 c.3868G>A variant is predicted to result in the amino acid substitution p.Ala1290Thr. To our knowledge, this variant has not been reported in the literature. This variant is reported in 0.024% of alleles in individuals of Ashkenazi Jewish descent in gnomAD. At this time, the clinical significance of this variant is uncertain due to the absence of conclusive functional and genetic evidence.

GeneDx
Classification: Uncertain significance. Last evaluated: 2024-01-09. Review status: criteria provided, single submitter. Criteria: GeneDx Variant Classification Process June 2021. Collection method: clinical testing. Allele origin: germline. Affected: yes.
Comment: In silico analysis supports that this missense variant does not alter protein structure/function; Has not been previously published as pathogenic or benign to our knowledge

NM_001379500.1(COL18A1):c.3337G>A (p.Ala1113Thr)

Genes: COL18A1 (collagen type XVIII alpha 1 chain; plus strand), SLC19A1 (solute carrier family 19 member 1; minus strand). Cytogenetic location: 21q22.3.
Variant type: single nucleotide variant.
Coding change: c.3337G>A on transcript NM_001379500.1 (MANE Select); coding-DNA position 3337, G replaced by A.
Protein change: p.Ala1113Thr; replaces alanine 1113 with threonine.
Molecular consequence: missense variant.
Genome position (GRCh38, 1-based): chr21:45,509,443, G>A. VCF-style: chr21-45509443-G-A. GRCh37 (hg19) VCF-style: chr21-46929357-G-A.
Other names: NM_130445.2:c.3328G>A; c.3868G>A, p.Ala1290Thr (NM_030582.4); c.4573G>A, p.Ala1525Thr (NM_130444.3); c.3868G>A (NM_030582.3); short protein forms A1290T, A1525T, A1113T.
Identifiers: ClinVar variation 1509006 (VCV001509006.8), dbSNP rs746120970, ClinGen allele CA10067860.